The following is an entry in ClinVar:

NM_003119.4(SPG7):c.1175G>A (p.Ser392Asn)

Gene: SPG7 (SPG7 matrix AAA peptidase subunit, paraplegin; plus strand). Cytogenetic location: 16q24.3.
Variant type: single nucleotide variant.
Coding change: c.1175G>A on transcript NM_003119.4 (MANE Select); coding-DNA position 1175, G replaced by A.
Protein change: p.Ser392Asn; replaces serine 392 with asparagine.
Molecular consequence: missense variant.
Genome position (GRCh38, 1-based): chr16:89,532,487, G>A. VCF-style: chr16-89532487-G-A. GRCh37 (hg19) VCF-style: chr16-89598895-G-A.
Other names: c.1175G>A, p.Ser392Asn (NM_001363850.1, NM_199367.3); short protein forms S392N.
Identifiers: ClinVar variation 465171 (VCV000465171.9), dbSNP rs745459731, ClinGen allele CA8243984.

ClinVar aggregate classification (germline): Uncertain significance. Review status: criteria provided, multiple submitters, no conflicts (2 of 4 stars). 2 submissions from 2 submitters: Uncertain significance (2). Last evaluated 2023-04-16.

Conditions:
Hereditary spastic paraplegia 7 (SPG7). Also called: SPASTIC PARAPLEGIA 7, AUTOSOMAL RECESSIVE, WITH OR WITHOUT CEREBELLAR ATAXIA; Spastic paraplegia 7; Hereditary spastic paraplegia Paraplegin type; Autosomal recessive spastic paraplegia type 7; SPG7-related neurologic disorder. Identifiers: Orphanet 99013, MedGen C1846564, MONDO:0011803, OMIM 607259.

Allele frequency attached by ClinVar (database versions not stated): ExAC 0.00001; gnomAD exomes 0.00001; TOPMed 0.00002.
gnomAD v4.1: 3 of 1,613,558 alleles (0.00019%); highest among the groups gnomAD compares: South Asian, 0.0011%; no homozygotes.

Submissions (2):

Labcorp Genetics (formerly Invitae), Labcorp
Classification: Uncertain significance for Hereditary spastic paraplegia 7. Last evaluated: 2023-04-16. Review status: criteria provided, single submitter. Criteria: Invitae Variant Classification Sherloc (09022015). Collection method: clinical testing. Allele origin: germline.
Comment: In summary, the available evidence is currently insufficient to determine the role of this variant in disease. Therefore, it has been classified as a Variant of Uncertain Significance. Advanced modeling of protein sequence and biophysical properties (such as structural, functional, and spatial information, amino acid conservation, physicochemical variation, residue mobility, and thermodynamic stability) performed at Invitae indicates that this missense variant is not expected to disrupt SPG7 protein function. ClinVar contains an entry for this variant (Variation ID: 465171). This variant has not been reported in the literature in individuals affected with SPG7-related conditions. This variant is present in population databases (rs745459731, gnomAD 0.007%). This sequence change replaces serine, which is neutral and polar, with asparagine, which is neutral and polar, at codon 392 of the SPG7 protein (p.Ser392Asn).

Athena Diagnostics
Classification: Uncertain significance. Last evaluated: 2020-02-04. Review status: criteria provided, single submitter. Criteria: Athena Diagnostics Criteria. Collection method: clinical testing. Allele origin: unknown.